The following is an entry in ClinVar:

ClinVar aggregate classification (germline): Likely benign (1 of 4 stars; one submission).

Submission:

CeGaT Center for Human Genetics Tuebingen
Classification: Likely benign. Last evaluated: 2023-02-01. Review status: criteria provided, single submitter. Criteria: CeGaT Center For Human Genetics Tuebingen Variant Classification Criteria Version 2. Collection method: clinical testing. Allele origin: germline. Affected: yes. Observed: 1 variant allele.
Comment: SOX17: PM2:Supporting, BP4, BP7

NM_022454.4(SOX17):c.762G>A (p.Ala254=)

Gene: SOX17 (SRY-box transcription factor 17; plus strand). Cytogenetic location: 8q11.23.
Variant type: single nucleotide variant.
Coding change: c.762G>A on transcript NM_022454.4 (MANE Select); coding-DNA position 762, G replaced by A.
Protein change: p.Ala254=; no amino-acid change (alanine 254 retained).
Molecular consequence: synonymous variant.
Genome position (GRCh38, 1-based): chr8:54,459,512, G>A. VCF-style: chr8-54459512-G-A. GRCh37 (hg19) VCF-style: chr8-55372072-G-A.
Identifiers: ClinVar variation 2658605 (VCV002658605.24), dbSNP rs914820464, ClinGen allele CA461108738.